The following is an entry in ClinVar:

NM_022916.6(VPS33A):c.559G>A (p.Gly187Arg)

Gene: VPS33A (VPS33A core subunit of CORVET and HOPS complexes; minus strand). Cytogenetic location: 12q24.31.
Variant type: single nucleotide variant.
Coding change: c.559G>A on transcript NM_022916.6 (MANE Select); coding-DNA position 559, G replaced by A.
Protein change: p.Gly187Arg; replaces glycine 187 with arginine.
Molecular consequence: missense variant.
Genome position (GRCh38, 1-based): chr12:122,251,024, C>T on the plus strand (G>A on the coding strand, the complement: VPS33A is on the minus strand). VCF-style: chr12-122251024-C-T. GRCh37 (hg19) VCF-style: chr12-122735571-C-T.
Other names: c.526G>A, p.Gly176Arg (NM_001351018.2); c.511G>A, p.Gly171Arg (NM_001351019.2); c.559G>A, p.Gly187Arg (NM_001351020.2); short protein forms G171R, G176R, G187R.
Identifiers: ClinVar variation 3391752 (VCV003391752.1).

ClinVar aggregate classification (germline): Uncertain significance (1 of 4 stars; one submission).

Submission:

GeneDx
Classification: Uncertain significance. Last evaluated: 2024-06-21. Review status: criteria provided, single submitter. Criteria: GeneDx Variant Classification Process June 2021. Collection method: clinical testing. Allele origin: germline. Affected: yes.
Comment: Not observed at significant frequency in large population cohorts (gnomAD); In silico analysis supports that this missense variant has a deleterious effect on protein structure/function; Has not been previously published as pathogenic or benign to our knowledge